The following is an entry in ClinVar:

NM_021008.4(DEAF1):c.790C>G (p.Gln264Glu)

Gene: DEAF1 (DEAF1 transcription factor; minus strand). Cytogenetic location: 11p15.5.
Variant type: single nucleotide variant.
Coding change: c.790C>G on transcript NM_021008.4 (MANE Select); coding-DNA position 790, C replaced by G.
Protein change: p.Gln264Glu; replaces glutamine 264 with glutamic acid.
Molecular consequence: missense variant. On other transcripts: intron variant (1).
Genome position (GRCh38, 1-based): chr11:686,872, G>C on the plus strand (C>G on the coding strand, the complement: DEAF1 is on the minus strand). VCF-style: chr11-686872-G-C. GRCh37 (hg19) VCF-style: chr11-686872-G-C.
Other names: c.64C>G, p.Gln22Glu (NM_001367390.1, NM_001440885.1, NM_001440886.1 and 1 more transcripts); c.790C>G, p.Gln264Glu (NM_001440883.1, NM_001440884.1); c.664+1039C>G (NM_001293634.2); short protein forms Q22E, Q264E.
Identifiers: ClinVar variation 1308929 (VCV001308929.2), dbSNP rs2133402143, ClinGen allele CA378931829.
Genomic context (GRCh38, chr11:686,872, plus strand): 5'-CACGTCTGAACTGTGTGCTGAGCACAGGTGAGGTCACGGACGATACCTGGATGAGGCACT[G>C]CAAGGGTCGGCCCGCGTAGCGAATGCTTCTTTTCCAGTCCTTACTGCTGGCTCTTCCTGC-3'
Protein context (NP_066288.2, residues 254-274): RSIRYAGRPL[Gln264Glu]CLIQDGILNP

ClinVar aggregate classification (germline): Uncertain significance (1 of 4 stars; one submission).

Submission:

GeneDx
Classification: Uncertain significance. Last evaluated: 2019-10-11. Review status: criteria provided, single submitter. Criteria: GeneDx Variant Classification Process June 2021. Collection method: clinical testing. Allele origin: germline. Affected: yes.
Comment: Not observed in large population cohorts (Lek et al., 2016); In silico analysis, which includes protein predictors and evolutionary conservation, supports that this variant does not alter protein structure/function; Has not been previously published as pathogenic or benign to our knowledge